The following is an entry in ClinVar:

NM_000216.4(ANOS1):c.814C>T (p.Arg272Ter)

Gene: ANOS1 (anosmin 1; minus strand). Cytogenetic location: Xp22.31.
Variant type: single nucleotide variant.
Coding change: c.814C>T on transcript NM_000216.4 (MANE Select); coding-DNA position 814, C replaced by T.
Protein change: p.Arg272Ter; replaces arginine 272 with a stop codon.
Molecular consequence: nonsense.
Genome position (GRCh38, 1-based): chrX:8,585,309, G>A on the plus strand (C>T on the coding strand, the complement: ANOS1 is on the minus strand). VCF-style: chrX-8585309-G-A. GRCh37 (hg19) VCF-style: chrX-8553350-G-A.
Other names: short protein forms R272*.
Identifiers: ClinVar variation 1439274 (VCV001439274.9), dbSNP rs1930491968, ClinGen allele CA411998130.

ClinVar aggregate classification (germline): Pathogenic. Review status: criteria provided, multiple submitters, no conflicts (2 of 4 stars). 2 submissions from 2 submitters: Pathogenic (2). Last evaluated 2025-04-09.

Conditions:
ANOS1-related disorder. Also called: ANOS1-related condition.
Hypogonadotropic hypogonadism 1 with or without anosmia (HH1). Also called: DYSPLASIA OLFACTOGENITALIS OF DE MORSIER; HYPOGONADOTROPIC HYPOGONADISM 1 WITH ANOSMIA; Hypogonadotropic hypogonadism 1 with or without anosmia (Kallmann syndrome 1); KAL1-Related GnRH Deficiency (Kallmann Syndrome 1; Kallmann Syndrome, X-Linked); HYPOGONADOTROPIC HYPOGONADISM AND ANOSMIA; Kallmann syndrome, type 1, X-linked. Identifiers: Orphanet 478, MedGen C1563719, MONDO:0010635, OMIM 308700. Disease mechanism: loss of function.

Allele frequency attached by ClinVar (database versions not stated): TOPMed below 0.00001.

Submissions (2):

Labcorp Genetics (formerly Invitae), Labcorp
Classification: Pathogenic for Hypogonadotropic hypogonadism 1 with or without anosmia. Last evaluated: 2025-04-09. Review status: criteria provided, single submitter. Criteria: Invitae Variant Classification Sherloc (09022015). Collection method: clinical testing. Allele origin: germline.
Comment: This sequence change creates a premature translational stop signal (p.Arg272*) in the ANOS1 gene. It is expected to result in an absent or disrupted protein product. Loss-of-function variants in ANOS1 are known to be pathogenic (PMID: 8504298, 11297579). This variant is not present in population databases (gnomAD no frequency). This premature translational stop signal has been observed in individual(s) with Kallmann syndrome (PMID: 23533228). This variant is also known as KAL1 c.814C>T (R272X). ClinVar contains an entry for this variant (Variation ID: 1439274). For these reasons, this variant has been classified as Pathogenic.

Blueprint Genetics
Classification: Pathogenic for ANOS1-related disorders. Last evaluated: 2023-07-06. Review status: criteria provided, single submitter. Criteria: ACMG Guidelines, 2015. Collection method: clinical testing. Allele origin: germline. Affected: yes. Observed: 1 variant allele.

Literature cited by the submitters: PubMed 8504298 (cited by Labcorp Genetics (formerly Invitae), Labcorp); PubMed 11297579 (cited by Labcorp Genetics (formerly Invitae), Labcorp); PubMed 23533228 (cited by Labcorp Genetics (formerly Invitae), Labcorp).